The following is an entry in ClinVar:

NM_000059.4(BRCA2):c.7235C>G (p.Thr2412Ser)

Gene: BRCA2 (BRCA2 DNA repair associated; plus strand). Cytogenetic location: 13q13.1.
Variant type: single nucleotide variant.
Coding change: c.7235C>G on transcript NM_000059.4 (MANE Select); coding-DNA position 7235, C replaced by G.
Protein change: p.Thr2412Ser; replaces threonine 2412 with serine.
Molecular consequence: missense variant.
Genome position (GRCh38, 1-based): chr13:32,355,088, C>G. VCF-style: chr13-32355088-C-G. GRCh37 (hg19) VCF-style: chr13-32929225-C-G.
Other names: c.7139C>G, p.Thr2380Ser (NM_001406719.1); c.7235C>G, p.Thr2412Ser (NM_001406720.1); c.2303C>G, p.Thr768Ser (NM_001406721.1); c.818C>G, p.Thr273Ser (NM_001406722.1); short protein forms T2380S, T768S, T2412S, T273S.
Identifiers: ClinVar variation 1757831 (VCV001757831.7), dbSNP rs397507384, ClinGen allele CA387740310.

ClinVar aggregate classification (germline): Uncertain significance. Review status: criteria provided, multiple submitters, no conflicts (2 of 4 stars). 2 submissions from 2 submitters: Uncertain significance (2). Last evaluated 2025-05-01.

Conditions:
Hereditary cancer-predisposing syndrome. Also called: Neoplastic Syndromes, Hereditary; Tumor predisposition; Hereditary Cancer Syndrome; Hereditary neoplastic syndrome. Identifiers: Orphanet 140162, MedGen C0027672, MeSH D009386, MONDO:0015356.
Hereditary breast ovarian cancer syndrome. Also called: Hereditary breast and/or ovarian cancer syndrome; Hereditary breast and ovarian cancer syndrome; Breast and ovarian cancer; Hereditary breast and ovarian cancer; BRCA1- and BRCA2-Associated Hereditary Breast and Ovarian Cancer; Hereditary breast and ovarian cancer syndrome (HBOC). Identifiers: Orphanet 145, MedGen C0677776, MeSH D061325, MONDO:0003582. Disease mechanism: loss of function.

gnomAD v4.1: 2 of 1,613,922 alleles (0.00012%); highest among the groups gnomAD compares: Non-Finnish European, 0.00017%; no homozygotes.

Submissions (2):

Labcorp Genetics (formerly Invitae), Labcorp
Classification: Uncertain significance for Hereditary breast ovarian cancer syndrome. Last evaluated: 2025-05-01. Review status: criteria provided, single submitter. Criteria: Invitae Variant Classification Sherloc (09022015). Collection method: clinical testing. Allele origin: germline.
Comment: This sequence change replaces threonine, which is neutral and polar, with serine, which is neutral and polar, at codon 2412 of the BRCA2 protein (p.Thr2412Ser). This variant is not present in population databases (gnomAD no frequency). This variant has not been reported in the literature in individuals affected with BRCA2-related conditions. ClinVar contains an entry for this variant (Variation ID: 1757831). Invitae Evidence Modeling of protein sequence and biophysical properties (such as structural, functional, and spatial information, amino acid conservation, physicochemical variation, residue mobility, and thermodynamic stability) indicates that this missense variant is not expected to disrupt BRCA2 protein function with a negative predictive value of 95%. In summary, the available evidence is currently insufficient to determine the role of this variant in disease. Therefore, it has been classified as a Variant of Uncertain Significance.

Ambry Genetics
Classification: Uncertain significance for Hereditary cancer-predisposing syndrome. Last evaluated: 2022-06-28. Review status: criteria provided, single submitter. Criteria: Ambry Variant Classification Scheme 2023. Collection method: clinical testing. Allele origin: germline.
Comment: The p.T2412S variant (also known as c.7235C>G), located in coding exon 13 of the BRCA2 gene, results from a C to G substitution at nucleotide position 7235. The threonine at codon 2412 is replaced by serine, an amino acid with similar properties. This amino acid position is well conserved in available vertebrate species. In addition, the in silico prediction for this alteration is inconclusive. Since supporting evidence is limited at this time, the clinical significance of this alteration remains unclear.